The following is an entry in ClinVar:

NM_004082.5(DCTN1):c.833A>T (p.Glu278Val)

Gene: DCTN1 (dynactin subunit 1; minus strand). Cytogenetic location: 2p13.1.
Variant type: single nucleotide variant.
Coding change: c.833A>T on transcript NM_004082.5 (MANE Select); coding-DNA position 833, A replaced by T.
Protein change: p.Glu278Val; replaces glutamic acid 278 with valine.
Molecular consequence: missense variant. On other transcripts: non-coding transcript variant (1).
Genome position (GRCh38, 1-based): chr2:74,370,989, T>A on the plus strand (A>T on the coding strand, the complement: DCTN1 is on the minus strand). VCF-style: chr2-74370989-T-A. GRCh37 (hg19) VCF-style: chr2-74598116-T-A.
Other names: c.773A>T, p.Glu258Val (NM_001135040.3); c.431A>T, p.Glu144Val (NM_001135041.3, NM_023019.4); c.722A>T, p.Glu241Val (NM_001190836.2); c.812A>T, p.Glu271Val (NM_001190837.2); c.782A>T, p.Glu261Val (NM_001378991.1); c.764A>T, p.Glu255Val (NM_001378992.1); short protein forms E241V, E278V, E144V, E258V, E271V, E255V, E261V.
Identifiers: ClinVar variation 468280 (VCV000468280.9), dbSNP rs1553465344, ClinGen allele CA347365779.

ClinVar aggregate classification (germline): Uncertain significance (1 of 4 stars; one submission).

Conditions:
Amyotrophic lateral sclerosis type 1 (ALS1). Also called: AMYOTROPHIC LATERAL SCLEROSIS 1, FAMILIAL. Identifiers: Orphanet 803, MedGen C1862939, MONDO:0007103, OMIM 105400.
Perry syndrome. Also called: PARKINSONISM WITH ALVEOLAR HYPOVENTILATION AND MENTAL DEPRESSION. Identifiers: Orphanet 178509, MedGen C1868594, MONDO:0008201, OMIM 168605.
Neuronopathy, distal hereditary motor, type 7B. Also called: Distal Hereditary Motor Neuronopathy Type 7B (dHMN7B); HMN VIIB; LOWER MOTOR NEURON DISEASE, DYNACTIN TYPE; NEURONOPATHY, DISTAL HEREDITARY MOTOR, AUTOSOMAL DOMINANT 14; NEURONOPATHY, DISTAL HEREDITARY MOTOR, HARDING TYPE VIIB; NEUROPATHY, DISTAL HEREDITARY MOTOR, HARDING TYPE VIIB. Identifiers: Orphanet 139589, MedGen C1843315, MONDO:0011879, OMIM 607641.

Submission:

Labcorp Genetics (formerly Invitae), Labcorp
Classification: Uncertain significance for Amyotrophic lateral sclerosis type 1; Neuronopathy, distal hereditary motor, type 7B; Perry syndrome. Last evaluated: 2017-04-03. Review status: criteria provided, single submitter. Criteria: Invitae Variant Classification Sherloc (09022015). Collection method: clinical testing. Allele origin: germline.
Comment: In summary, this variant is a novel missense change with uncertain impact on protein function. It has been classified as a Variant of Uncertain Significance. Algorithms developed to predict the effect of sequence changes on RNA splicing suggest that this variant may alter RNA splicing, but this prediction has not been confirmed by published transcriptional studies. Algorithms developed to predict the effect of missense changes on protein structure and function (SIFT, PolyPhen-2, Align-GVGD) all suggest that this variant is likely to be disruptive, but these predictions have not been confirmed by published functional studies. This variant is not present in population databases (ExAC no frequency) and has not been reported in the literature in individuals with a DCTN1-related disease. This sequence change replaces glutamic acid with valine at codon 278 of the DCTN1 protein (p.Glu278Val). The glutamic acid residue is highly conserved and there is a moderate physicochemical difference between glutamic acid and valine.